The following is an entry in ClinVar:

NM_033026.6(PCLO):c.4988G>A (p.Gly1663Glu)

Gene: PCLO (piccolo presynaptic cytomatrix protein; minus strand). Cytogenetic location: 7q21.11.
Variant type: single nucleotide variant.
Coding change: c.4988G>A on transcript NM_033026.6 (MANE Select); coding-DNA position 4988, G replaced by A.
Protein change: p.Gly1663Glu; replaces glycine 1663 with glutamic acid.
Molecular consequence: missense variant.
Genome position (GRCh38, 1-based): chr7:82,955,965, C>T on the plus strand (G>A on the coding strand, the complement: PCLO is on the minus strand). VCF-style: chr7-82955965-C-T. GRCh37 (hg19) VCF-style: chr7-82585281-C-T.
Other names: c.4988G>A (NM_033026.5); c.4988G>A, p.Gly1663Glu (NM_014510.3); short protein forms G1663E.
Identifiers: ClinVar variation 1422443 (VCV001422443.4), dbSNP rs548515602, ClinGen allele CA4320728.
Genomic context (GRCh38, chr7:82,955,965, plus strand): 5'-TCTGCAGAATATTTATCTGCTATTGTACTGTTGAGCTCAATTGTTTTAAATCGGCGTAGC[C>T]CTCCTCCTCCAGTAACTACAAGTTCTTCACTTTCCTGACTTTTAGTTTCTCTGTATTTAA-3'
Protein context (NP_149015.2, residues 1653-1673): SEELVVTGGG[Gly1663Glu]LRRFKTIELN

ClinVar aggregate classification (germline): Uncertain significance. Review status: criteria provided, multiple submitters, no conflicts (2 of 4 stars). 2 submissions from 2 submitters: Uncertain significance (2). Last evaluated 2025-12-11.

Conditions:
Inborn genetic diseases. Identifiers: MedGen C0950123, MeSH D030342.

Allele frequency attached by ClinVar (database versions not stated): ExAC 0.00007; gnomAD exomes 0.00008 and 0.00005; gnomAD 0.00007; 1000 Genomes Project 30x 0.00016; 1000 Genomes Project 0.00020.
gnomAD v4.1: 81 of 1,613,448 alleles (0.005%); highest among the groups gnomAD compares: South Asian, 0.081%; 3 homozygotes.

Submissions (2):

Ambry Genetics
Classification: Uncertain significance for Inborn genetic diseases. Last evaluated: 2025-12-11. Review status: criteria provided, single submitter. Criteria: Ambry Variant Classification Scheme 2023. Collection method: clinical testing. Allele origin: germline.

Labcorp Genetics (formerly Invitae), Labcorp
Classification: Uncertain significance. Last evaluated: 2022-02-05. Review status: criteria provided, single submitter. Criteria: Invitae Variant Classification Sherloc (09022015). Collection method: clinical testing. Allele origin: germline.
Comment: This sequence change replaces glycine, which is neutral and non-polar, with glutamic acid, which is acidic and polar, at codon 1663 of the PCLO protein (p.Gly1663Glu). This variant is present in population databases (rs548515602, gnomAD 0.06%). This variant has not been reported in the literature in individuals affected with PCLO-related conditions. Algorithms developed to predict the effect of missense changes on protein structure and function are either unavailable or do not agree on the potential impact of this missense change (SIFT: "Deleterious"; PolyPhen-2: "Not Available"; Align-GVGD: "Class C0"). In summary, the available evidence is currently insufficient to determine the role of this variant in disease. Therefore, it has been classified as a Variant of Uncertain Significance.